The following is an entry in ClinVar:

ClinVar aggregate classification (germline): Likely benign. Review status: criteria provided, multiple submitters, no conflicts (2 of 4 stars). 2 submissions from 2 submitters: Likely benign (2). Last evaluated 2024-03-21.

Conditions:
Hereditary breast ovarian cancer syndrome. Also called: Hereditary breast and ovarian cancer syndrome; BRCA1- and BRCA2-Associated Hereditary Breast and Ovarian Cancer; Hereditary breast and/or ovarian cancer syndrome; Hereditary breast and ovarian cancer syndrome (HBOC); Breast and ovarian cancer; Hereditary breast and ovarian cancer. Identifiers: Orphanet 145, MedGen C0677776, MeSH D061325, MONDO:0003582. Disease mechanism: loss of function.

Submissions (2):

Labcorp Genetics (formerly Invitae), Labcorp
Classification: Likely benign for Hereditary breast ovarian cancer syndrome. Last evaluated: 2024-03-21. Review status: criteria provided, single submitter. Criteria: Invitae Variant Classification Sherloc (09022015). Collection method: clinical testing. Allele origin: germline.

GeneDx
Classification: Likely benign. Last evaluated: 2017-08-25. Review status: criteria provided, single submitter. Criteria: GeneDx Variant Classification (06012015). Collection method: clinical testing. Allele origin: germline. Affected: yes.
Comment: This variant is considered likely benign or benign based on one or more of the following criteria: it is a conservative change, it occurs at a poorly conserved position in the protein, it is predicted to be benign by multiple in silico algorithms, and/or has population frequency not consistent with disease.

NM_000059.4(BRCA2):c.5436A>G (p.Glu1812=)

Gene: BRCA2 (BRCA2 DNA repair associated; plus strand). Cytogenetic location: 13q13.1.
Variant type: single nucleotide variant.
Coding change: c.5436A>G on transcript NM_000059.4 (MANE Select); coding-DNA position 5436, A replaced by G.
Protein change: p.Glu1812=; no amino-acid change (glutamic acid 1812 retained).
Molecular consequence: synonymous variant.
Genome position (GRCh38, 1-based): chr13:32,339,791, A>G. VCF-style: chr13-32339791-A-G. GRCh37 (hg19) VCF-style: chr13-32913928-A-G.
Identifiers: ClinVar variation 511752 (VCV000511752.9), dbSNP rs754090538, ClinGen allele CA483438400.